The following is an entry in ClinVar:

NM_002528.7(NTHL1):c.305T>G (p.Val102Gly)

Gene: NTHL1 (nth like DNA glycosylase 1; minus strand). Cytogenetic location: 16p13.3.
Variant type: single nucleotide variant.
Coding change: c.305T>G on transcript NM_002528.7 (MANE Select); coding-DNA position 305, T replaced by G.
Protein change: p.Val102Gly; replaces valine 102 with glycine.
Molecular consequence: missense variant. On other transcripts: intron variant (1).
Genome position (GRCh38, 1-based): chr16:2,046,177, A>C on the plus strand (T>G on the coding strand, the complement: NTHL1 is on the minus strand). VCF-style: chr16-2046177-A-C. GRCh37 (hg19) VCF-style: chr16-2096178-A-C.
Other names: c.305T>G, p.Val102Gly (NM_001318193.2); c.24+103T>G (NM_001318194.2); short protein forms V102G.
Identifiers: ClinVar variation 1371438 (VCV001371438.6), dbSNP rs2150945430, ClinGen allele CA394295453.

ClinVar aggregate classification (germline): Uncertain significance (1 of 4 stars; one submission).

Submission:

Labcorp Genetics (formerly Invitae), Labcorp
Classification: Uncertain significance. Last evaluated: 2021-02-12. Review status: criteria provided, single submitter. Criteria: Invitae Variant Classification Sherloc (09022015). Collection method: clinical testing. Allele origin: germline.
Comment: In summary, the available evidence is currently insufficient to determine the role of this variant in disease. Therefore, it has been classified as a Variant of Uncertain Significance. Algorithms developed to predict the effect of missense changes on protein structure and function are either unavailable or do not agree on the potential impact of this missense change (SIFT: "Not Available"; PolyPhen-2: "Probably Damaging"; Align-GVGD: "Not Available"). This variant has not been reported in the literature in individuals with NTHL1-related conditions. This variant is not present in population databases (ExAC no frequency). This sequence change replaces valine with glycine at codon 110 of the NTHL1 protein (p.Val110Gly). The valine residue is highly conserved and there is a moderate physicochemical difference between valine and glycine.